The following is an entry in ClinVar:

ClinVar aggregate classification (germline): Likely pathogenic. Review status: criteria provided, single submitter (1 of 4 stars). 2 submissions from 2 submitters: Likely pathogenic (1). 1 of the submissions does not count toward it. Last evaluated 2025-11-06.

Conditions:
FXR1-related disorder.
Myopathy, congenital proximal, with minicore lesions. Identifiers: MedGen C5394193, MONDO:0032937, OMIM 618823.

Submissions (2):

3billion
Classification: Likely pathogenic for FXR1-related disorder. Last evaluated: 2025-11-06. Review status: criteria provided, single submitter. Criteria: ACMG Guidelines, 2015. Collection method: clinical testing. Allele origin: germline. Affected: yes.
Comment: The variant is observed at an extremely low frequency in the gnomAD v4.1.0 dataset (total allele frequency: <0.001%). Predicted Consequence/Location: Intron variant Functional studies provide strong evidence of the variant having a damaging effect on the gene or gene product (PMID: 30770808). In silico tools do not predict the variant to alter splicing and produce an abnormal transcript [SpliceAI: 0.06 (<=0.1, moderate evidence for non-spliceogenicity)]. However, functional analysis for splicing alteration may yield varying results. The variant has been reported to be in trans with a pathogenic variant as either compound heterozygous or homozygous in at least one similarly affected unrelated individual (PMID: 30770808). The variant has been reported to be associated with FXR1-related disorder (ClinVar ID: VCV000828056). Therefore, this variant is classified as Likely pathogenic according to the recommendation of ACMG/AMP guideline.

OMIM
Classification: Pathogenic for CONGENITAL MYOPATHY 9B, PROXIMAL, WITH MINICORE LESIONS. Last evaluated: 2024-07-16. Review status: no assertion criteria provided. Collection method: literature only. Allele origin: germline. Not counted in ClinVar's aggregate classification.

Literature cited by the submitters: PubMed 35393337 (cited by 3billion and OMIM).

NM_005087.4(FXR1):c.1603+733dup

Gene: FXR1 (FMR1 autosomal homolog 1; plus strand). Cytogenetic location: 3q26.33.
Variant type: Duplication.
Coding change: c.1603+733dup on transcript NM_005087.4 (MANE Select); 733 bases into the intron after coding-DNA position 1603, one base duplicated (A; older notation c.1603+733dupA).
Molecular consequence: intron variant.
Genome position (GRCh38, 1-based): chr3:180,971,091, A duplicated; the last of 8 consecutive A bases (chr3:180,971,084-180,971,091); duplicating any one gives the same sequence. VCF-style (leftmost placement, unchanged base first): chr3-180971083-G-GA. GRCh37 (hg19) VCF-style: chr3-180688871-G-GA.
Other names: c.1348+733dup (NM_001013439.3, NM_001363882.1); c.1603+733dup (NM_001013438.3); c.1707dup (XM_005247813.3).
Identifiers: ClinVar variation 2443948 (VCV002443948.3), dbSNP rs769011065, ClinGen allele CA2716884.